The following is an entry in ClinVar:

ClinVar aggregate classification (germline): Benign/Likely benign. Review status: criteria provided, multiple submitters, no conflicts (2 of 4 stars). 4 submissions from 4 submitters: Benign (2); Likely benign (2). Last evaluated 2026-02-04.

Conditions:
Multiple gastrointestinal atresias. Also called: FAMILIAL INTESTINAL POLYATRESIA SYNDROME; Multiple intestinal atresia. Identifiers: Orphanet 2300, MedGen C0220744, MONDO:0009465.

Allele frequency attached by ClinVar (database versions not stated): ESP Exome Variant Server 0.00031; gnomAD 0.00117 and 0.00295; TOPMed 0.00179; gnomAD exomes 0.00389 and 0.00787; ExAC 0.00847; 1000 Genomes Project 30x 0.01483; 1000 Genomes Project 0.01597.
gnomAD v4.1: 6,197 of 1,613,960 alleles (0.38%); highest among the groups gnomAD compares: South Asian, 4.1%; 174 homozygotes.

Submissions (4):

Labcorp Genetics (formerly Invitae), Labcorp
Classification: Benign for Multiple gastrointestinal atresias. Last evaluated: 2026-02-04. Review status: criteria provided, single submitter. Criteria: Invitae Variant Classification Sherloc (09022015). Collection method: clinical testing. Allele origin: germline.

CeGaT Center for Human Genetics Tuebingen
Classification: Benign. Last evaluated: 2024-01-01. Review status: criteria provided, single submitter. Criteria: CeGaT Center For Human Genetics Tuebingen Variant Classification Criteria Version 2. Collection method: clinical testing. Allele origin: germline. Affected: yes. Observed: 3 variant alleles.
Comment: TTC7A: BP4, BS1, BS2

Women's Health and Genetics/Laboratory Corporation of America, LabCorp
Classification: Likely benign. Last evaluated: 2021-12-10. Review status: criteria provided, single submitter. Criteria: LabCorp Variant Classification Summary - May 2015. Collection method: clinical testing. Allele origin: germline.

Center for Pediatric Genomic Medicine, Children's Mercy Hospital and Clinics
Classification: Likely benign. Last evaluated: 2017-05-30. Review status: criteria provided, single submitter. Criteria: ACMG Guidelines, 2015. Collection method: clinical testing. Allele origin: germline.

NM_020458.4(TTC7A):c.1129C>G (p.Gln377Glu)

Gene: TTC7A (tetratricopeptide repeat domain 7A; plus strand). Cytogenetic location: 2p21.
Variant type: single nucleotide variant.
Coding change: c.1129C>G on transcript NM_020458.4 (MANE Select); coding-DNA position 1129, C replaced by G.
Protein change: p.Gln377Glu; replaces glutamine 377 with glutamic acid.
Molecular consequence: missense variant.
Genome position (GRCh38, 1-based): chr2:47,005,985, C>G. VCF-style: chr2-47005985-C-G. GRCh37 (hg19) VCF-style: chr2-47233124-C-G.
Other names: c.1129C>G, p.Gln377Glu (NM_001288951.2, LRG_1323t1); c.1027C>G, p.Gln343Glu (NM_001288953.2); c.67C>G, p.Gln23Glu (NM_001288955.2); short protein forms Q343E, Q377E, Q23E.
Identifiers: ClinVar variation 445493 (VCV000445493.38), dbSNP rs117304542, ClinGen allele CA1647506.